The following is an entry in ClinVar:

NM_015346.4(ZFYVE26):c.1526A>G (p.Tyr509Cys)

Gene: ZFYVE26 (zinc finger FYVE-type containing 26; minus strand). Cytogenetic location: 14q24.1.
Variant type: single nucleotide variant.
Coding change: c.1526A>G on transcript NM_015346.4 (MANE Select); coding-DNA position 1526, A replaced by G.
Protein change: p.Tyr509Cys; replaces tyrosine 509 with cysteine.
Molecular consequence: missense variant.
Genome position (GRCh38, 1-based): chr14:67,802,192, T>C on the plus strand (A>G on the coding strand, the complement: ZFYVE26 is on the minus strand). VCF-style: chr14-67802192-T-C. GRCh37 (hg19) VCF-style: chr14-68268909-T-C.
Other names: p.Tyr509Cys; short protein forms Y509C.
Identifiers: ClinVar variation 216689 (VCV000216689.8), dbSNP rs767673365, ClinGen allele CA336866.

ClinVar aggregate classification (germline): Uncertain significance. Review status: criteria provided, multiple submitters, no conflicts (2 of 4 stars). 5 submissions from 5 submitters: Uncertain significance (5). Last evaluated 2025-10-31.

Conditions:
Inborn genetic diseases. Identifiers: MedGen C0950123, MeSH D030342.
Spastic paraplegia. Identifiers: MedGen C0037772, HP:0001258.
Hereditary spastic paraplegia 15 (SPG15). Also called: SPASTIC PARAPLEGIA 15, AUTOSOMAL RECESSIVE; KJELLIN SYNDROME; SPASTIC PARAPLEGIA AND RETINAL DEGENERATION. Identifiers: Orphanet 100996, MedGen C1849128, MONDO:0010044, OMIM 270700.

Allele frequency attached by ClinVar (database versions not stated): ExAC 0.00001; gnomAD exomes 0.00001 and 0.00003; TOPMed 0.00002; gnomAD 0.00003 and 0.00004.
gnomAD v4.1: 47 of 1,614,074 alleles (0.0029%); highest among the groups gnomAD compares: Non-Finnish European, 0.0033%; no homozygotes.

Submissions (5):

Mayo Clinic Laboratories, Mayo Clinic
Classification: Uncertain significance. Last evaluated: 2025-10-31. Review status: criteria provided, single submitter. Criteria: ACMG Guidelines, 2015. Collection method: clinical testing. Allele origin: germline. Observed: 1 variant allele.

Ambry Genetics
Classification: Uncertain significance for Inborn genetic diseases. Last evaluated: 2025-08-22. Review status: criteria provided, single submitter. Criteria: Ambry Variant Classification Scheme 2023. Collection method: clinical testing. Allele origin: germline.

GeneDx
Classification: Uncertain significance. Last evaluated: 2024-09-03. Review status: criteria provided, single submitter. Criteria: GeneDx Variant Classification Process June 2021. Collection method: clinical testing. Allele origin: germline. Affected: yes.
Comment: Not observed at significant frequency in large population cohorts (gnomAD); In silico analysis indicates that this missense variant does not alter protein structure/function; Has not been previously published as pathogenic or benign to our knowledge

Revvity Omics, Revvity
Classification: Uncertain significance for Hereditary spastic paraplegia 15. Last evaluated: 2022-04-26. Review status: criteria provided, single submitter. Criteria: ACMG Guidelines, 2015. Collection method: clinical testing. Allele origin: germline.

Labcorp Genetics (formerly Invitae), Labcorp
Classification: Uncertain significance for Spastic paraplegia. Last evaluated: 2021-08-26. Review status: criteria provided, single submitter. Criteria: Invitae Variant Classification Sherloc (09022015). Collection method: clinical testing. Allele origin: germline.
Comment: This sequence change replaces tyrosine with cysteine at codon 509 of the ZFYVE26 protein (p.Tyr509Cys). The tyrosine residue is highly conserved and there is a large physicochemical difference between tyrosine and cysteine. This variant is present in population databases (rs767673365, ExAC 0.001%). This variant has not been reported in the literature in individuals affected with ZFYVE26-related conditions. ClinVar contains an entry for this variant (Variation ID: 216689). Algorithms developed to predict the effect of missense changes on protein structure and function (SIFT, PolyPhen-2, Align-GVGD) all suggest that this variant is likely to be disruptive. In summary, the available evidence is currently insufficient to determine the role of this variant in disease. Therefore, it has been classified as a Variant of Uncertain Significance.